The following is an entry in ClinVar:

ClinVar aggregate classification (germline): Uncertain significance (1 of 4 stars; one submission).

Conditions:
NCOA1-related disorder. Also called: NCOA1-related condition.

gnomAD v4.1: 6 of 1,614,116 alleles (0.00037%); highest among the groups gnomAD compares: Admixed American, 0.0033%; no homozygotes.

Submission:

PreventionGenetics, part of Exact Sciences
Classification: Uncertain significance for NCOA1-related condition. Last evaluated: 2026-07-20. Review status: criteria provided, single submitter. Criteria: ACMG Guidelines, 2015. Collection method: clinical testing. Allele origin: germline.
Comment: The NCOA1 c.1669A>T variant is predicted to result in the amino acid substitution p.Ser557Cys. To our knowledge, this variant has not been reported in the literature. This variant is reported in 0.0056% of alleles in individuals of Latino descent in gnomAD. At this time, the clinical significance of this variant is uncertain due to the absence of conclusive functional and genetic evidence.

NM_003743.5(NCOA1):c.1669A>T (p.Ser557Cys)

Gene: NCOA1 (nuclear receptor coactivator 1; plus strand). Cytogenetic location: 2p23.3.
Variant type: single nucleotide variant.
Coding change: c.1669A>T on transcript NM_003743.5 (MANE Select); coding-DNA position 1669, A replaced by T.
Protein change: p.Ser557Cys; replaces serine 557 with cysteine.
Molecular consequence: missense variant.
Genome position (GRCh38, 1-based): chr2:24,707,139, A>T. VCF-style: chr2-24707139-A-T. GRCh37 (hg19) VCF-style: chr2-24930008-A-T.
Other names: c.1669A>T, p.Ser557Cys (NM_001362950.1, NM_001362952.1, NM_001362954.1 and 3 more transcripts); short protein forms S557C.
Identifiers: ClinVar variation 4985152 (VCV004985152.1).